The following is an entry in ClinVar:

NM_000466.3(PEX1):c.3439-5T>G

Genes: PEX1 (peroxisomal biogenesis factor 1; minus strand), GATAD1 (GATA zinc finger domain containing 1; plus strand). Cytogenetic location: 7q21.2.
Variant type: single nucleotide variant.
Coding change: c.3439-5T>G on transcript NM_000466.3 (MANE Select); 5 bases into the intron before coding-DNA position 3439, T replaced by G.
Molecular consequence: intron variant.
Genome position (GRCh38, 1-based): chr7:92,489,916, A>C on the plus strand (T>G on the coding strand, the complement: PEX1 is on the minus strand). VCF-style: chr7-92489916-A-C. GRCh37 (hg19) VCF-style: chr7-92119230-A-C.
Other names: c.3268-5T>G (NM_001282677.2); c.2815-5T>G (NM_001282678.2).
Identifiers: ClinVar variation 1982903 (VCV001982903.3), dbSNP rs1483920015, ClinGen allele CA2580077475.
Genomic context (GRCh38, chr7:92,489,916, plus strand): 5'-GGAACTCCAGGCAAATCCTGAGTCATGGAGCTTGGTGCAGAGAGACATTGTGAGCTCTGC[A>C]TGGTAAATTGTAGTAATGAAAGATGGAAGGAAGAGGGGGAGAGAAAAAACTATGTGTTTA-3'

ClinVar aggregate classification (germline): Uncertain significance (1 of 4 stars; one submission).

Conditions:
Zellweger spectrum disorders (ZS). Also called: Zellweger Spectrum Disorder; Zellweger syndrome; Zellweger Spectrum Disorder (ZSD); Zellweger Spectrum. Identifiers: Orphanet 912, MedGen C0043459, MONDO:0019609.

gnomAD v4.1: 1 of 1,612,238 alleles (0.000062%); highest among the groups gnomAD compares: Non-Finnish European, 0.000085%; no homozygotes.

Submission:

Labcorp Genetics (formerly Invitae), Labcorp
Classification: Uncertain significance for Zellweger spectrum disorders. Last evaluated: 2024-10-22. Review status: criteria provided, single submitter. Criteria: Invitae Variant Classification Sherloc (09022015). Collection method: clinical testing. Allele origin: germline.
Comment: This sequence change falls in intron 21 of the PEX1 gene. It does not directly change the encoded amino acid sequence of the PEX1 protein. This variant is not present in population databases (gnomAD no frequency). This variant has not been reported in the literature in individuals affected with PEX1-related conditions. ClinVar contains an entry for this variant (Variation ID: 1982903). Algorithms developed to predict the effect of sequence changes on RNA splicing suggest that this variant may disrupt the consensus splice site. In summary, the available evidence is currently insufficient to determine the role of this variant in disease. Therefore, it has been classified as a Variant of Uncertain Significance.